The following is an entry in ClinVar:

ClinVar aggregate classification (germline): Uncertain significance (1 of 4 stars; one submission).

gnomAD v4.1: 5 of 1,594,046 alleles (0.00031%); highest among the groups gnomAD compares: Non-Finnish European, 0.00043%; no homozygotes.

Submission:

Labcorp Genetics (formerly Invitae), Labcorp
Classification: Uncertain significance. Last evaluated: 2025-10-25. Review status: criteria provided, single submitter. Criteria: Invitae Variant Classification Sherloc (09022015). Collection method: clinical testing. Allele origin: germline.
Comment: This sequence change affects a donor splice site in intron 1 of the CEP89 gene. It is expected to disrupt RNA splicing. Variants that disrupt the donor or acceptor splice site typically lead to a loss of protein function (PMID: 16199547), however the current clinical and genetic evidence is not sufficient to establish whether loss-of-function variants in CEP89 cause disease. This variant is present in population databases (no rsID available, gnomAD 0.0009%). This variant has not been reported in the literature in individuals affected with CEP89-related conditions. Algorithms developed to predict the effect of sequence changes on RNA splicing suggest that this variant may disrupt the consensus splice site. In summary, the available evidence is currently insufficient to determine the role of this variant in disease. Therefore, it has been classified as a Variant of Uncertain Significance.

Literature cited by the submitters: PubMed 16199547.

NM_032816.5(CEP89):c.39+1G>A

Genes: CEP89 (centrosomal protein 89; minus strand), LOC130064165 (ATAC-STARR-seq lymphoblastoid active region 14435; plus strand). Cytogenetic location: 19q13.11.
Variant type: single nucleotide variant.
Coding change: c.39+1G>A on transcript NM_032816.5 (MANE Select); the canonical splice donor site of the intron after coding-DNA position 39, G replaced by A.
Molecular consequence: splice donor variant.
Genome position (GRCh38, 1-based): chr19:32,971,835, C>T on the plus strand (G>A on the coding strand, the complement: CEP89 is on the minus strand). VCF-style: chr19-32971835-C-T. GRCh37 (hg19) VCF-style: chr19-33462741-C-T.
Identifiers: ClinVar variation 4760517 (VCV004760517.1).